The following is an entry in ClinVar:

ClinVar aggregate classification (germline): Uncertain significance (1 of 4 stars; one submission).

Conditions:
Cardiovascular phenotype. Identifiers: MedGen CN230736.

Submission:

Ambry Genetics
Classification: Uncertain significance for Cardiovascular phenotype. Last evaluated: 2017-11-03. Review status: criteria provided, single submitter. Criteria: Ambry Variant Classification Scheme 2023. Collection method: clinical testing. Allele origin: germline.
Comment: The p.F1471L variant (also known as c.4411T>C), located in coding exon 36 of the CACNA1C gene, results from a T to C substitution at nucleotide position 4411. The phenylalanine at codon 1471 is replaced by leucine, an amino acid with highly similar properties. This amino acid position is highly conserved in available vertebrate species. In addition, this alteration is predicted to be deleterious by in silico analysis. Since supporting evidence is limited at this time, the clinical significance of this alteration remains unclear.

NM_000719.7(CACNA1C):c.4411T>C (p.Phe1471Leu)

Gene: CACNA1C (calcium voltage-gated channel subunit alpha1 C; plus strand). Cytogenetic location: 12p13.33.
Variant type: single nucleotide variant.
Coding change: c.4411T>C on transcript NM_000719.7 (MANE Select); coding-DNA position 4411, T replaced by C.
Protein change: p.Phe1471Leu; replaces phenylalanine 1471 with leucine.
Molecular consequence: missense variant.
Genome position (GRCh38, 1-based): chr12:2,665,593, T>C. VCF-style: chr12-2665593-T-C. GRCh37 (hg19) VCF-style: chr12-2774759-T-C.
Other names: c.4555T>C, p.Phe1519Leu (NM_001129827.2, NM_199460.4); c.4477T>C, p.Phe1493Leu (NM_001129829.2); c.4411T>C, p.Phe1471Leu (NM_001129830.3, NM_001129833.2, NM_001129834.2 and 7 more transcripts); c.4495T>C, p.Phe1499Leu (NM_001129831.2); c.4471T>C, p.Phe1491Leu (NM_001129832.2); c.4462T>C, p.Phe1488Leu (NM_001129836.2); c.4378T>C, p.Phe1460Leu (NM_001129837.2, NM_001129838.2, NM_001129846.2 and 1 more transcripts); c.4372T>C, p.Phe1458Leu (NM_001129839.2); and 1 more; short protein forms F1471L, F1519L, F1460L, F1468L, F1493L, F1491L, F1499L, F1458L.
Identifiers: ClinVar variation 519536 (VCV000519536.5), dbSNP rs1555997051, ClinGen allele CA383376120.
Genomic context (GRCh38, chr12:2,665,593, plus strand): 5'-TGTGTAGGAAGGTCTTCTCACAGCACCTCATTGTACTGTTCCCCACAGATCATCAACCTC[T>C]TTGTAGCTGTCATCATGGACAACTTTGACTACCTGACAAGGGACTGGTCCATCCTTGGTC-3'
Protein context (NP_000710.5, residues 1461-1481): MLCAFLIINL[Phe1471Leu]VAVIMDNFDY